The following is an entry in ClinVar:

ClinVar aggregate classification (germline): Uncertain significance (1 of 4 stars; one submission).

gnomAD v4.1: 22 of 1,613,344 alleles (0.0014%); highest among the groups gnomAD compares: South Asian, 0.023%; no homozygotes.

Submission:

GeneDx
Classification: Uncertain significance. Last evaluated: 2024-09-05. Review status: criteria provided, single submitter. Criteria: GeneDx Variant Classification Process June 2021. Collection method: clinical testing. Allele origin: germline. Affected: yes.
Comment: In silico analysis supports that this missense variant has a deleterious effect on protein structure/function; Has not been previously published as pathogenic or benign to our knowledge

NM_006420.3(ARFGEF2):c.2018C>A (p.Thr673Lys)

Gene: ARFGEF2 (ARF guanine nucleotide exchange factor 2; plus strand). Cytogenetic location: 20q13.13.
Variant type: single nucleotide variant.
Coding change: c.2018C>A on transcript NM_006420.3 (MANE Select); coding-DNA position 2018, C replaced by A.
Protein change: p.Thr673Lys; replaces threonine 673 with lysine.
Molecular consequence: missense variant.
Genome position (GRCh38, 1-based): chr20:48,984,788, C>A. VCF-style: chr20-48984788-C-A. GRCh37 (hg19) VCF-style: chr20-47601325-C-A.
Other names: c.2015C>A, p.Thr672Lys (NM_001410846.1); short protein forms T672K, T673K.
Identifiers: ClinVar variation 3767758 (VCV003767758.1).